The following is an entry in ClinVar:

NM_020937.4(FANCM):c.2884C>G (p.Pro962Ala)

Gene: FANCM (FA complementation group M; plus strand). Cytogenetic location: 14q21.2.
Variant type: single nucleotide variant.
Coding change: c.2884C>G on transcript NM_020937.4 (MANE Select); coding-DNA position 2884, C replaced by G.
Protein change: p.Pro962Ala; replaces proline 962 with alanine.
Molecular consequence: missense variant.
Genome position (GRCh38, 1-based): chr14:45,175,638, C>G. VCF-style: chr14-45175638-C-G. GRCh37 (hg19) VCF-style: chr14-45644841-C-G.
Other names: c.2806C>G, p.Pro936Ala (NM_001308133.2); short protein forms P936A, P962A.
Identifiers: ClinVar variation 1800658 (VCV001800658.2), dbSNP rs2503184828, ClinGen allele CA389599389.

ClinVar aggregate classification (germline): Uncertain significance. Review status: criteria provided, multiple submitters, no conflicts (2 of 4 stars). 2 submissions from 2 submitters: Uncertain significance (2). Last evaluated 2026-06-29.

Conditions:
Inborn genetic diseases. Identifiers: MedGen C0950123, MeSH D030342.

Submissions (2):

Ambry Genetics
Classification: Uncertain significance for Inborn genetic diseases. Last evaluated: 2026-06-29. Review status: criteria provided, single submitter. Criteria: Ambry Variant Classification Scheme 2023. Collection method: clinical testing. Allele origin: germline.
Comment: The p.P962A variant (also known as c.2884C>G), located in coding exon 14 of the FANCM gene, results from a C to G substitution at nucleotide position 2884. The proline at codon 962 is replaced by alanine, an amino acid with highly similar properties. This amino acid position is conserved. In addition, this alteration is predicted to be tolerated by in silico analysis. Based on the available evidence, the clinical significance of this variant remains unclear.

GeneDx
Classification: Uncertain significance. Last evaluated: 2022-05-17. Review status: criteria provided, single submitter. Criteria: GeneDx Variant Classification Process June 2021. Collection method: clinical testing. Allele origin: germline. Affected: yes.
Comment: Not observed at significant frequency in large population cohorts (gnomAD); In silico analysis supports that this missense variant has a deleterious effect on protein structure/function; Has not been previously published as pathogenic or benign to our knowledge